The following is an entry in ClinVar:

NM_001267550.2(TTN):c.3170T>C (p.Val1057Ala)

Gene: TTN (titin; minus strand). Cytogenetic location: 2q31.2.
Variant type: single nucleotide variant.
Coding change: c.3170T>C on transcript NM_001267550.2 (MANE Select); coding-DNA position 3170, T replaced by C.
Protein change: p.Val1057Ala; replaces valine 1057 with alanine.
Molecular consequence: missense variant.
Genome position (GRCh38, 1-based): chr2:178,782,422, A>G on the plus strand (T>C on the coding strand, the complement: TTN is on the minus strand). VCF-style: chr2-178782422-A-G. GRCh37 (hg19) VCF-style: chr2-179647149-A-G.
Other names: p.V1057A:GTT>GCT; c.3170T>C, p.Val1057Ala (NM_001256850.1, NM_133378.4, NM_133379.5); c.3032T>C, p.Val1011Ala (NM_003319.4, NM_133432.3, NM_133437.4); short protein forms V1057A, V1011A.
Identifiers: ClinVar variation 202962 (VCV000202962.20), dbSNP rs145940356, ClinGen allele CA310820.

ClinVar aggregate classification (germline): Conflicting classifications of pathogenicity. Review status: criteria provided, conflicting classifications (1 of 4 stars). 7 submissions from 7 submitters: Uncertain significance (4); Likely benign (2). 1 of the submissions does not count toward it. Last evaluated 2025-04-09.

Conditions:
TTN-related disorder. Also called: TTN-related disorders; TTN-related condition; TTN-related disease.
Cardiovascular phenotype. Identifiers: MedGen CN230736.

Allele frequency attached by ClinVar (database versions not stated): gnomAD exomes 0.00002 and 0.00005; ExAC 0.00007; gnomAD 0.00019; TOPMed 0.00019; ESP Exome Variant Server 0.00046; 1000 Genomes Project 30x 0.00047; 1000 Genomes Project 0.00060.
gnomAD v4.1: 63 of 1,614,100 alleles (0.0039%); highest among the groups gnomAD compares: African/African-American, 0.073%; no homozygotes.

Submissions (7):

Molecular Diagnostic Laboratory for Inherited Cardiovascular Disease, Montreal Heart Institute
Classification: Likely benign. Last evaluated: 2025-04-09. Review status: criteria provided, single submitter. Criteria: ACMG Guidelines, 2015. Collection method: clinical testing. Allele origin: germline. Affected: no.

ARUP Laboratories, Molecular Genetics and Genomics, ARUP Laboratories
Classification: Uncertain significance. Last evaluated: 2022-02-08. Review status: criteria provided, single submitter. Criteria: ARUP Molecular Germline Variant Investigation Process 2021. Collection method: clinical testing. Allele origin: germline.
Comment: The TTN c.3170T>C; p.Val1057Ala variant (rs145940356; ClinVar Variation ID: 202962) is rare in the general population (<0.2% allele frequency in the Genome Aggregation Database) and has not been reported in the medical literature in association with dilated cardiomyopathy (DCM) or other TTN-related disease. The clinical relevance of rare missense variants in this gene, which are identified on average once per individual sequenced in affected populations (Herman 2012), is not well understood. Yet, evidence suggests that the vast majority of such missense variants do not contribute to the clinical outcome of DCM (Begay 2015). Thus, the clinical significance of the p.Val1057Ala variant cannot be determined with certainty.

Revvity Omics, Revvity
Classification: Uncertain significance. Last evaluated: 2021-12-10. Review status: criteria provided, single submitter. Criteria: ACMG Guidelines, 2015. Collection method: clinical testing. Allele origin: germline.

GeneDx
Classification: Likely benign. Last evaluated: 2021-01-04. Review status: criteria provided, single submitter. Criteria: GeneDx Variant Classification Process June 2021. Collection method: clinical testing. Allele origin: germline. Affected: yes.
Comment: This variant is associated with the following publications: (PMID: 31983221)

Ambry Genetics
Classification: Uncertain significance for Cardiovascular phenotype. Last evaluated: 2019-04-19. Review status: criteria provided, single submitter. Criteria: Ambry Variant Classification Scheme 2023. Collection method: clinical testing. Allele origin: germline.
Comment: The p.V1011A variant (also known as c.3032T>C), located in coding exon 18 of the TTN gene, results from a T to C substitution at nucleotide position 3032. The valine at codon 1011 is replaced by alanine, an amino acid with similar properties. This amino acid position is not well conserved in available vertebrate species. In addition, this alteration is predicted to be tolerated by in silico analysis. Since supporting evidence is limited at this time, the clinical significance of this alteration remains unclear.

Athena Diagnostics
Classification: Uncertain significance. Last evaluated: 2018-11-12. Review status: criteria provided, single submitter. Criteria: Athena Diagnostics Criteria. Collection method: clinical testing. Allele origin: germline.

PreventionGenetics, part of Exact Sciences
Classification: Uncertain significance for TTN-related condition. Last evaluated: 2024-08-10. Review status: no assertion criteria provided. Collection method: clinical testing. Allele origin: germline. Not counted in ClinVar's aggregate classification.
Comment: The TTN c.3170T>C variant is predicted to result in the amino acid substitution p.Val1057Ala. This variant has been reported in an individual with dilated cardiomyopathy (Table S3, Mazzarotto et al. 2020. PubMed ID: 31983221). This variant is reported in 0.048% of alleles in individuals of African descent in gnomAD. At this time, the clinical significance of this variant is uncertain due to the absence of conclusive functional and genetic evidence.